The following is an entry in ClinVar:

ClinVar aggregate classification (germline): Uncertain significance (1 of 4 stars; one submission).

Submission:

Laboratorio de Genetica e Diagnostico Molecular, Hospital Israelita Albert Einstein
Classification: Uncertain significance. Last evaluated: 2021-11-11. Review status: criteria provided, single submitter. Criteria: ACMG Guidelines, 2015. Collection method: clinical testing. Allele origin: germline. Affected: yes.
Comment: ACMG classification criteria: PM2

NM_001393769.1(MED12L):c.5098G>T (p.Val1700Phe)

Gene: MED12L (mediator complex subunit 12L; plus strand). Cytogenetic location: 3q25.1.
Variant type: single nucleotide variant.
Coding change: c.5098G>T on transcript NM_001393769.1 (MANE Select); coding-DNA position 5098, G replaced by T.
Protein change: p.Val1700Phe; replaces valine 1700 with phenylalanine.
Molecular consequence: missense variant.
Genome position (GRCh38, 1-based): chr3:151,387,819, G>T. VCF-style: chr3-151387819-G-T. GRCh37 (hg19) VCF-style: chr3-151105607-G-T.
Other names: c.4993G>T, p.Val1665Phe (NM_053002.6); short protein forms V1665F, V1700F.
Identifiers: ClinVar variation 1690491 (VCV001690491.2), dbSNP rs2108204276, ClinGen allele CA354976399.